The following is an entry in ClinVar:

ClinVar aggregate classification (germline): Uncertain significance. Review status: criteria provided, multiple submitters, no conflicts (2 of 4 stars). 2 submissions from 2 submitters: Uncertain significance (2). Last evaluated 2024-12-04.

Conditions:
LRP2-related disorder. Also called: LRP2-related condition.

Allele frequency attached by ClinVar (database versions not stated): ExAC 0.00003; 1000 Genomes Project 30x 0.00016; 1000 Genomes Project 0.00020.
gnomAD v4.1: 16 of 1,614,138 alleles (0.00099%); highest among the groups gnomAD compares: East Asian, 0.011%; 1 homozygote.

Submissions (2):

PreventionGenetics, part of Exact Sciences
Classification: Uncertain significance for LRP2-related condition. Last evaluated: 2024-12-04. Review status: criteria provided, single submitter. Criteria: ACMG Guidelines, 2015. Collection method: clinical testing. Allele origin: germline.
Comment: The LRP2 c.233G>C variant is predicted to result in the amino acid substitution p.Gly78Ala. To our knowledge, this variant has not been reported in the literature. This variant is reported in 0.022% of alleles in individuals of East Asian descent in gnomAD. At this time, the clinical significance of this variant is uncertain due to the absence of conclusive functional and genetic evidence.

Labcorp Genetics (formerly Invitae), Labcorp
Classification: Uncertain significance. Last evaluated: 2024-10-16. Review status: criteria provided, single submitter. Criteria: Invitae Variant Classification Sherloc (09022015). Collection method: clinical testing. Allele origin: germline.
Comment: This sequence change replaces glycine, which is neutral and non-polar, with alanine, which is neutral and non-polar, at codon 78 of the LRP2 protein (p.Gly78Ala). This variant is present in population databases (rs546882372, gnomAD 0.02%). This variant has not been reported in the literature in individuals affected with LRP2-related conditions. ClinVar contains an entry for this variant (Variation ID: 2084157). Invitae Evidence Modeling of protein sequence and biophysical properties (such as structural, functional, and spatial information, amino acid conservation, physicochemical variation, residue mobility, and thermodynamic stability) indicates that this missense variant is expected to disrupt LRP2 protein function with a positive predictive value of 95%. In summary, the available evidence is currently insufficient to determine the role of this variant in disease. Therefore, it has been classified as a Variant of Uncertain Significance.

NM_004525.3(LRP2):c.233G>C (p.Gly78Ala)

Gene: LRP2 (LDL receptor related protein 2; minus strand). Cytogenetic location: 2q31.1.
Variant type: single nucleotide variant.
Coding change: c.233G>C on transcript NM_004525.3 (MANE Select); coding-DNA position 233, G replaced by C.
Protein change: p.Gly78Ala; replaces glycine 78 with alanine.
Molecular consequence: missense variant.
Genome position (GRCh38, 1-based): chr2:169,318,839, C>G on the plus strand (G>C on the coding strand, the complement: LRP2 is on the minus strand). VCF-style: chr2-169318839-C-G. GRCh37 (hg19) VCF-style: chr2-170175349-C-G.
Other names: c.233G>C (NM_004525.2); short protein forms G78A.
Identifiers: ClinVar variation 2084157 (VCV002084157.3), dbSNP rs546882372, ClinGen allele CA1955950.